The following is an entry in ClinVar:

ClinVar aggregate classification (germline): Uncertain significance (1 of 4 stars; one submission).

Conditions:
Neuronal ceroid lipofuscinosis 7 (CLN7). Also called: MFSD8-Related Neuronal Ceroid-Lipofuscinosis. Identifiers: Orphanet 168491, Orphanet 228366, MedGen C1838571, MONDO:0012588, OMIM 610951.

Allele frequency attached by ClinVar (database versions not stated): gnomAD 0.00001; TOPMed 0.00001.
gnomAD v4.1: 2 of 1,614,096 alleles (0.00012%); highest among the groups gnomAD compares: Non-Finnish European, 0.00017%; no homozygotes.

Submission:

Labcorp Genetics (formerly Invitae), Labcorp
Classification: Uncertain significance for Neuronal ceroid lipofuscinosis 7. Last evaluated: 2022-04-01. Review status: criteria provided, single submitter. Criteria: Invitae Variant Classification Sherloc (09022015). Collection method: clinical testing. Allele origin: germline.
Comment: This sequence change replaces methionine, which is neutral and non-polar, with threonine, which is neutral and polar, at codon 391 of the MFSD8 protein (p.Met391Thr). This variant is not present in population databases (gnomAD no frequency). This variant has not been reported in the literature in individuals affected with MFSD8-related conditions. Algorithms developed to predict the effect of missense changes on protein structure and function output the following: SIFT: "Tolerated"; PolyPhen-2: "Benign"; Align-GVGD: "Class C0". The threonine amino acid residue is found in multiple mammalian species, which suggests that this missense change does not adversely affect protein function. In summary, the available evidence is currently insufficient to determine the role of this variant in disease. Therefore, it has been classified as a Variant of Uncertain Significance.

NM_001371596.2(MFSD8):c.1172T>C (p.Met391Thr)

Gene: MFSD8 (major facilitator superfamily domain containing 8; minus strand). Cytogenetic location: 4q28.2.
Variant type: single nucleotide variant.
Coding change: c.1172T>C on transcript NM_001371596.2 (MANE Select); coding-DNA position 1172, T replaced by C.
Protein change: p.Met391Thr; replaces methionine 391 with threonine.
Molecular consequence: missense variant.
Genome position (GRCh38, 1-based): chr4:127,921,702, A>G on the plus strand (T>C on the coding strand, the complement: MFSD8 is on the minus strand). VCF-style: chr4-127921702-A-G. GRCh37 (hg19) VCF-style: chr4-128842857-A-G.
Other names: c.971T>C, p.Met324Thr (NM_001363520.3); c.857T>C, p.Met286Thr (NM_001363521.3); c.1037T>C, p.Met346Thr (NM_001371590.2); c.1172T>C, p.Met391Thr (NM_001371591.2, NM_152778.4); c.1178T>C, p.Met393Thr (NM_001371592.2); c.1058T>C, p.Met353Thr (NM_001371593.2); c.1025T>C, p.Met342Thr (NM_001371594.2); c.890T>C, p.Met297Thr (NM_001371595.1); and 2 more; short protein forms M241T, M324T, M286T, M297T, M342T, M353T, M346T, M391T.
Identifiers: ClinVar variation 2182967 (VCV002182967.1), dbSNP rs1200073175, ClinGen allele CA358171338.